The following is an entry in ClinVar:

ClinVar aggregate classification (germline): Likely pathogenic (1 of 4 stars; one submission).

Submission:

Labcorp Genetics (formerly Invitae), Labcorp
Classification: Likely pathogenic. Last evaluated: 2022-01-18. Review status: criteria provided, single submitter. Criteria: Invitae Variant Classification Sherloc (09022015). Collection method: clinical testing. Allele origin: germline.
Comment: In summary, the currently available evidence indicates that the variant is pathogenic, but additional data are needed to prove that conclusively. Therefore, this variant has been classified as Likely Pathogenic. Algorithms developed to predict the effect of sequence changes on RNA splicing suggest that this variant may disrupt the consensus splice site. This variant has not been reported in the literature in individuals affected with MUT-related conditions. This variant is not present in population databases (gnomAD no frequency). This sequence change affects a donor splice site in intron 6 of the MUT gene. It is expected to disrupt RNA splicing. Variants that disrupt the donor or acceptor splice site typically lead to a loss of protein function (PMID: 16199547), and loss-of-function variants in MUT are known to be pathogenic (PMID: 15781192).

Literature cited by the submitters: PubMed 16199547; PubMed 15781192.

NM_000255.4(MMUT):c.1332+1G>C

Gene: MMUT (methylmalonyl-CoA mutase; minus strand). Cytogenetic location: 6p12.3.
Variant type: single nucleotide variant.
Coding change: c.1332+1G>C on transcript NM_000255.4 (MANE Select); the canonical splice donor site of the intron after coding-DNA position 1332, G replaced by C.
Molecular consequence: splice donor variant.
Genome position (GRCh38, 1-based): chr6:49,451,465, C>G on the plus strand (G>C on the coding strand, the complement: MMUT is on the minus strand). VCF-style: chr6-49451465-C-G. GRCh37 (hg19) VCF-style: chr6-49419178-C-G.
Identifiers: ClinVar variation 2087525 (VCV002087525.4), dbSNP rs2481333667, ClinGen allele CA364398587.